The following is an entry in ClinVar:

ClinVar aggregate classification (germline): Uncertain significance (1 of 4 stars; one submission).

Allele frequency attached by ClinVar (database versions not stated): gnomAD 0.00001.
gnomAD v4.1: 18 of 1,535,804 alleles (0.0012%); highest among the groups gnomAD compares: South Asian, 0.0059%; no homozygotes.

Submission:

Labcorp Genetics (formerly Invitae), Labcorp
Classification: Uncertain significance. Last evaluated: 2023-12-31. Review status: criteria provided, single submitter. Criteria: Invitae Variant Classification Sherloc (09022015). Collection method: clinical testing. Allele origin: germline.
Comment: This sequence change replaces arginine, which is basic and polar, with glutamine, which is neutral and polar, at codon 308 of the GCGR protein (p.Arg308Gln). This variant is not present in population databases (gnomAD no frequency). This variant has not been reported in the literature in individuals affected with GCGR-related conditions. An algorithm developed to predict the effect of missense changes on protein structure and function (PolyPhen-2) suggests that this variant is likely to be disruptive. Algorithms developed to predict the effect of sequence changes on RNA splicing suggest that this variant may create or strengthen a splice site. In summary, the available evidence is currently insufficient to determine the role of this variant in disease. Therefore, it has been classified as a Variant of Uncertain Significance.

NM_000160.5(GCGR):c.923G>A (p.Arg308Gln)

Gene: GCGR (glucagon receptor; plus strand). Cytogenetic location: 17q25.3.
Variant type: single nucleotide variant.
Coding change: c.923G>A on transcript NM_000160.5 (MANE Select); coding-DNA position 923, G replaced by A.
Protein change: p.Arg308Gln; replaces arginine 308 with glutamine.
Molecular consequence: missense variant.
Genome position (GRCh38, 1-based): chr17:81,812,227, G>A. VCF-style: chr17-81812227-G-A. GRCh37 (hg19) VCF-style: chr17-79770103-G-A.
Other names: short protein forms R308Q.
Identifiers: ClinVar variation 2899619 (VCV002899619.3), dbSNP rs1266924744, ClinGen allele CA401502568.